The following is an entry in ClinVar:

NM_007118.4(TRIO):c.6975C>A (p.Ser2325Arg)

Gene: TRIO (trio Rho guanine nucleotide exchange factor; plus strand). Cytogenetic location: 5p15.2.
Variant type: single nucleotide variant.
Coding change: c.6975C>A on transcript NM_007118.4 (MANE Select); coding-DNA position 6975, C replaced by A.
Protein change: p.Ser2325Arg; replaces serine 2325 with arginine.
Molecular consequence: missense variant. On other transcripts: non-coding transcript variant (1).
Genome position (GRCh38, 1-based): chr5:14,487,603, C>A. VCF-style: chr5-14487603-C-A. GRCh37 (hg19) VCF-style: chr5-14487712-C-A.
Other names: short protein forms S2325R.
Identifiers: ClinVar variation 3364103 (VCV003364103.1).
Genomic context (GRCh38, chr5:14,487,603, plus strand): 5'-TGGGGGCAGCGGCGGCGGCGGGGCCCCCAGTGGCGGCAGCGGCCACAGTGGCGGCCCCAG[C>A]AGCTGCGGCGGCGCCCCCAGCACGAGCAGGAGCCGGCCCTCCCGGATCCCCCAGCCTGTC-3'
Protein context (NP_009049.2, residues 2315-2335): SGGSGHSGGP[Ser2325Arg]SCGGAPSTSR

ClinVar aggregate classification (germline): Uncertain significance (1 of 4 stars; one submission).

Submission:

GeneDx
Classification: Uncertain significance. Last evaluated: 2023-11-11. Review status: criteria provided, single submitter. Criteria: GeneDx Variant Classification Process June 2021. Collection method: clinical testing. Allele origin: germline. Affected: yes.
Comment: Not observed at significant frequency in large population cohorts (gnomAD); In silico analysis supports that this missense variant does not alter protein structure/function; Has not been previously published as pathogenic or benign to our knowledge